The following is an entry in ClinVar:

NC_000012.11:g.(?_95396495)_(95397456_?)dup

Gene: NDUFA12 (NADH:ubiquinone oxidoreductase subunit A12; minus strand). Cytogenetic location: 12q22.
Variant type: Duplication.
Identifiers: ClinVar variation 2426498 (VCV002426498.4).

ClinVar aggregate classification (germline): Uncertain significance (1 of 4 stars; one submission).

Submission:

Labcorp Genetics (formerly Invitae), Labcorp
Classification: Uncertain significance. Last evaluated: 2022-08-09. Review status: criteria provided, single submitter. Criteria: Invitae Variant Classification Sherloc (09022015). Collection method: clinical testing. Allele origin: germline.
Comment: In summary, the available evidence is currently insufficient to determine the role of this variant in disease. Therefore, it has been classified as a Variant of Uncertain Significance. Experimental studies and prediction algorithms are not available or were not evaluated, and the functional significance of this variant is currently unknown. This variant has not been reported in the literature in individuals affected with NDUFA12-related conditions. This variant results in a copy number gain of the genomic region encompassing exon(s) 1-2 of the NDUFA12 gene. This region includes the initiator codon of the gene. This copy number gain extends beyond the assayed region for this gene and therefore may encompass additional genes. As the precise location of this event is unknown, it may be in tandem or it may be located elsewhere in the genome.